The following is an entry in ClinVar:

ClinVar aggregate classification (germline): Uncertain significance (1 of 4 stars; one submission).

Conditions:
Intellectual developmental disorder, autosomal recessive 27. Also called: Intellectual disability, autosomal recessive 27; Mental retardation, autosomal recessive 27. Identifiers: Orphanet 88616, MedGen C3280538, MONDO:0013702, OMIM 614340.

gnomAD v4.1: 7 of 1,613,812 alleles (0.00043%); highest among the groups gnomAD compares: Non-Finnish European, 0.00059%; no homozygotes.

Submission:

Victorian Clinical Genetics Services, Murdoch Childrens Research Institute
Classification: Uncertain significance for Intellectual developmental disorder, autosomal recessive 27. Last evaluated: 2020-05-21. Review status: criteria provided, single submitter. Criteria: ACMG Guidelines, 2015. Collection method: clinical testing. Allele origin: germline. Inheritance: Autosomal recessive inheritance.
Comment: Based on the classification scheme VCGS_Germline_v0.6.1, this variant is classified as 3C-VUS. Following criteria are met: 0102 - Loss of function is a known mechanism of disease for this gene. 0106 - This gene is known to be associated with autosomal recessive disease. 0200 - Variant is predicted to result in a missense amino acid change from methionine to isoleucine (exon 7). 0301 - Variant is absent from gnomAD. 0309 - An alternative amino acid change at the same position has been observed in gnomAD (745 heterozygotes, 3 homozygotes). 0503 - Missense variant consistently predicted to be tolerated OR not conserved in mammals with a minor amino acid change ((PolyPhen2, PROVEAN, MutationAssessor, FATHMM, UCSC). 0604 - Variant is not located in an established domain, motif or hotspot. 0705 - No comparable variants in relevant codon/region have previous evidence for pathogenicity. 0807 - Variant has not previously been reported in a clinical context. 0905 - No published segregation evidence has been identified for this variant. 1007 - No published functional evidence has been identified for this variant.

NM_001040616.3(LINS1):c.1815G>T (p.Met605Ile)

Gene: LINS1 (lines homolog 1; minus strand). Cytogenetic location: 15q26.3.
Variant type: single nucleotide variant.
Coding change: c.1815G>T on transcript NM_001040616.3 (MANE Select); coding-DNA position 1815, G replaced by T.
Protein change: p.Met605Ile; replaces methionine 605 with isoleucine.
Molecular consequence: missense variant. On other transcripts: non-coding transcript variant (3).
Genome position (GRCh38, 1-based): chr15:100,569,697, C>A on the plus strand (G>T on the coding strand, the complement: LINS1 is on the minus strand). VCF-style: chr15-100569697-C-A. GRCh37 (hg19) VCF-style: chr15-101109902-C-A.
Other names: c.1068G>T, p.Met356Ile (NM_001352507.2); c.1662G>T, p.Met554Ile (NM_001352508.2); short protein forms M356I, M554I, M605I.
Identifiers: ClinVar variation 1805586 (VCV001805586.1), dbSNP rs749089893, ClinGen allele CA393945771.
Genomic context (GRCh38, chr15:100,569,697, plus strand): 5'-ACTTTGAGAGGCCCGGGGGGAAGACAGACTAGAAGCACACATGGTGTGAGCCCCCTTGGA[C>A]ATCACAGCTTTCAGTGGTTCAGAGGGAGCATCGGAAGCCCAGGAGTGCCGAGCACACACA-3'
Protein context (NP_001035706.2, residues 595-615): DAPSEPLKAV[Met605Ile]SKGAHTMCAS